The following is an entry in ClinVar:

ClinVar aggregate classification (germline): Conflicting classifications of pathogenicity. Review status: criteria provided, conflicting classifications (1 of 4 stars). 4 submissions from 4 submitters: Uncertain significance (2); Likely benign (2). Last evaluated 2024-12-09.

Conditions:
Inborn genetic diseases. Identifiers: MedGen C0950123, MeSH D030342.

Allele frequency attached by ClinVar (database versions not stated): gnomAD exomes 0.00003; ExAC 0.00004; TOPMed 0.00012; ESP Exome Variant Server 0.00015; gnomAD 0.00015.
gnomAD v4.1: 77 of 1,613,934 alleles (0.0048%); highest among the groups gnomAD compares: African/African-American, 0.036%; no homozygotes.

Submissions (4):

Labcorp Genetics (formerly Invitae), Labcorp
Classification: Uncertain significance. Last evaluated: 2024-12-09. Review status: criteria provided, single submitter. Criteria: Invitae Variant Classification Sherloc (09022015). Collection method: clinical testing. Allele origin: germline.
Comment: This sequence change replaces threonine, which is neutral and polar, with methionine, which is neutral and non-polar, at codon 515 of the HPS1 protein (p.Thr515Met). This variant is present in population databases (rs145327298, gnomAD 0.03%). This variant has not been reported in the literature in individuals affected with HPS1-related conditions. ClinVar contains an entry for this variant (Variation ID: 2139352). Invitae Evidence Modeling of protein sequence and biophysical properties (such as structural, functional, and spatial information, amino acid conservation, physicochemical variation, residue mobility, and thermodynamic stability) indicates that this missense variant is not expected to disrupt HPS1 protein function with a negative predictive value of 95%. In summary, the available evidence is currently insufficient to determine the role of this variant in disease. Therefore, it has been classified as a Variant of Uncertain Significance.

Women's Health and Genetics/Laboratory Corporation of America, LabCorp
Classification: Uncertain significance. Last evaluated: 2024-07-12. Review status: criteria provided, single submitter. Criteria: LabCorp Variant Classification Summary - May 2015. Collection method: clinical testing. Allele origin: germline.
Comment: Variant summary: HPS1 c.1544C>T (p.Thr515Met) results in a non-conservative amino acid change in the encoded protein sequence. Four of five in-silico tools predict a benign effect of the variant on protein function. The variant allele was found at a frequency of 3.6e-05 in 251296 control chromosomes. The available data on variant occurrences in the general population are insufficient to allow any conclusion about variant significance. To our knowledge, no occurrence of c.1544C>T in individuals affected with Hermansky-Pudlak Syndrome and no experimental evidence demonstrating its impact on protein function have been reported. ClinVar contains an entry for this variant (Variation ID: 2139352). Based on the evidence outlined above, the variant was classified as uncertain significance.

Ambry Genetics
Classification: Likely benign for Inborn genetic diseases. Last evaluated: 2022-11-08. Review status: criteria provided, single submitter. Criteria: Ambry Variant Classification Scheme 2023. Collection method: clinical testing. Allele origin: germline.

Blueprint Genetics
Classification: Likely benign. Last evaluated: 2022-09-09. Review status: criteria provided, single submitter. Criteria: ACMG Guidelines, 2015. Collection method: clinical testing. Allele origin: germline.

NM_000195.5(HPS1):c.1544C>T (p.Thr515Met)

Gene: HPS1 (HPS1 biogenesis of lysosomal organelles complex 3 subunit 1; minus strand). Cytogenetic location: 10q24.2.
Variant type: single nucleotide variant.
Coding change: c.1544C>T on transcript NM_000195.5 (MANE Select); coding-DNA position 1544, C replaced by T.
Protein change: p.Thr515Met; replaces threonine 515 with methionine.
Molecular consequence: missense variant.
Genome position (GRCh38, 1-based): chr10:98,423,657, G>A on the plus strand (C>T on the coding strand, the complement: HPS1 is on the minus strand). VCF-style: chr10-98423657-G-A. GRCh37 (hg19) VCF-style: chr10-100183414-G-A.
Other names: c.572C>T, p.Thr191Met (NM_001311345.2, NM_001322487.2, NM_001322489.2); c.1544C>T, p.Thr515Met (NM_001322476.2, NM_001322477.2); c.1445C>T, p.Thr482Met (NM_001322478.2, NM_001322479.2); c.1283C>T, p.Thr428Met (NM_001322480.2, NM_001322481.2); c.1184C>T, p.Thr395Met (NM_001322482.2); c.1175C>T, p.Thr392Met (NM_001322483.2, NM_001322484.2); c.1076C>T, p.Thr359Met (NM_001322485.2); c.1544C>T (NM_000195.3); short protein forms T392M, T482M, T191M, T359M, T428M, T515M, T395M.
Identifiers: ClinVar variation 2139352 (VCV002139352.5), dbSNP rs145327298, ClinGen allele CA5638972.